The following is an entry in ClinVar:

NM_000548.5(TSC2):c.3386G>A (p.Arg1129His)

Gene: TSC2 (TSC complex subunit 2; plus strand). Cytogenetic location: 16p13.3.
Variant type: single nucleotide variant.
Coding change: c.3386G>A on transcript NM_000548.5 (MANE Select); coding-DNA position 3386, G replaced by A.
Protein change: p.Arg1129His; replaces arginine 1129 with histidine.
Molecular consequence: missense variant.
Genome position (GRCh38, 1-based): chr16:2,079,658, G>A. VCF-style: chr16-2079658-G-A. GRCh37 (hg19) VCF-style: chr16-2129659-G-A.
Other names: c.3254G>A, p.Arg1085His (NM_001077183.3, NM_001370404.1); c.3386G>A, p.Arg1129His (NM_001114382.3); c.3146G>A, p.Arg1049His (NM_001318827.2); c.3110G>A, p.Arg1037His (NM_001318829.2); c.2654G>A, p.Arg885His (NM_001318831.2); c.3287G>A, p.Arg1096His (NM_001318832.2); c.3257G>A, p.Arg1086His (NM_001363528.2, NM_001370405.1, NM_021055.3); short protein forms R1129H, R1096H, R1049H, R1085H, R1086H, R1037H, R885H.
Identifiers: ClinVar variation 535973 (VCV000535973.18), dbSNP rs1412967226, ClinGen allele CA394286758.

ClinVar aggregate classification (germline): Conflicting classifications of pathogenicity. Review status: criteria provided, conflicting classifications (1 of 4 stars). 5 submissions from 5 submitters: Uncertain significance (3); Likely benign (2). Last evaluated 2026-01-28.

Conditions:
Tuberous sclerosis 2 (TSC2). Identifiers: Orphanet 805, MedGen C1860707, MONDO:0013199, OMIM 613254.
Tuberous sclerosis syndrome (TSC). Also called: Tuberous Sclerosis Complex; Tuberous sclerosis. Identifiers: Orphanet 805, MedGen C0041341, MONDO:0001734.
Hereditary cancer-predisposing syndrome. Also called: Neoplastic Syndromes, Hereditary; Tumor predisposition; Hereditary Cancer Syndrome; Hereditary neoplastic syndrome. Identifiers: Orphanet 140162, MedGen C0027672, MeSH D009386, MONDO:0015356.

Allele frequency attached by ClinVar (database versions not stated): gnomAD 0.00001; gnomAD exomes 0.00001 and 0.00002; TOPMed 0.00001.

Submissions (5):

Labcorp Genetics (formerly Invitae), Labcorp
Classification: Likely benign for Tuberous sclerosis 2. Last evaluated: 2026-01-28. Review status: criteria provided, single submitter. Criteria: Invitae Variant Classification Sherloc (09022015). Collection method: clinical testing. Allele origin: germline.

Ambry Genetics
Classification: Uncertain significance for Hereditary cancer-predisposing syndrome. Last evaluated: 2025-05-30. Review status: criteria provided, single submitter. Criteria: Ambry Variant Classification Scheme 2023. Collection method: clinical testing. Allele origin: germline.
Comment: The p.R1129H variant (also known as c.3386G>A), located in coding exon 28 of the TSC2 gene, results from a G to A substitution at nucleotide position 3386. The arginine at codon 1129 is replaced by histidine, an amino acid with highly similar properties. This amino acid position is highly conserved in available vertebrate species. In addition, this alteration is predicted to be deleterious by in silico analysis. Based on the available evidence, the clinical significance of this variant remains unclear.

All of Us Research Program, National Institutes of Health
Classification: Uncertain significance for Tuberous sclerosis syndrome. Last evaluated: 2023-10-30. Review status: criteria provided, single submitter. Criteria: ACMG Guidelines, 2015. Collection method: clinical testing. Allele origin: germline. Inheritance: Autosomal dominant inheritance. Observed: 2 variant alleles, 2 heterozygotes.
Comment: This study involves interpretation of variants in research participants for the purpose of population health screening. Participant phenotype was not available at the time of variant classification. Additional details can be found in publication PMID: 35346344, PMCID: PMC8962531

Genome-Nilou Lab
Classification: Likely benign for Tuberous sclerosis 2. Last evaluated: 2021-11-07. Review status: criteria provided, single submitter. Criteria: ACMG Guidelines, 2015. Collection method: clinical testing. Allele origin: germline. Affected: no.

GeneDx
Classification: Uncertain significance. Last evaluated: 2019-10-14. Review status: criteria provided, single submitter. Criteria: GeneDx Variant Classification Process June 2021. Collection method: clinical testing. Allele origin: germline. Affected: yes.
Comment: In silico analysis, which includes protein predictors and evolutionary conservation, supports that this variant does not alter protein structure/function; Has not been previously published as pathogenic or benign to our knowledge